The following is an entry in ClinVar:

NM_001283009.2(RTEL1):c.2658G>T (p.Glu886Asp)

Genes: RTEL1 (regulator of telomere elongation helicase 1; plus strand), RTEL1-TNFRSF6B (RTEL1-TNFRSF6B readthrough (NMD candidate); plus strand). Cytogenetic location: 20q13.33.
Variant type: single nucleotide variant.
Coding change: c.2658G>T on transcript NM_001283009.2 (MANE Select); coding-DNA position 2658, G replaced by T.
Protein change: p.Glu886Asp; replaces glutamic acid 886 with aspartic acid.
Molecular consequence: missense variant. On other transcripts: non-coding transcript variant (1).
Genome position (GRCh38, 1-based): chr20:63,692,810, G>T. VCF-style: chr20-63692810-G-T. GRCh37 (hg19) VCF-style: chr20-62324163-G-T.
Other names: c.1989G>T, p.Glu663Asp (NM_001283010.1); c.2658G>T, p.Glu886Asp (NM_016434.4); c.2730G>T, p.Glu910Asp (NM_032957.5); c.2730G>T (NM_032957.4); short protein forms E663D, E886D, E910D.
Identifiers: ClinVar variation 2155737 (VCV002155737.4), dbSNP rs775722854, ClinGen allele CA9965488.

ClinVar aggregate classification (germline): Uncertain significance. Review status: criteria provided, multiple submitters, no conflicts (2 of 4 stars). 2 submissions from 2 submitters: Uncertain significance (2). Last evaluated 2025-11-25.

Conditions:
Inborn genetic diseases. Identifiers: MedGen C0950123, MeSH D030342.
Pulmonary fibrosis and/or bone marrow failure, Telomere-related, 3. Also called: PULMONARY FIBROSIS AND/OR BONE MARROW FAILURE SYNDROME, TELOMERE-RELATED, 3. Identifiers: Orphanet 2032, MedGen C4225346, MONDO:0014613, OMIM 616373.
Dyskeratosis congenita, autosomal recessive 5 (DKCB5). Identifiers: MedGen C3554656, MONDO:0014076, OMIM 615190.

Allele frequency attached by ClinVar (database versions not stated): ExAC 0.00003; gnomAD 0.00001; TOPMed 0.00003.
gnomAD v4.1: 21 of 1,610,376 alleles (0.0013%); highest among the groups gnomAD compares: East Asian, 0.013%; no homozygotes.

Submissions (2):

Labcorp Genetics (formerly Invitae), Labcorp
Classification: Uncertain significance for Dyskeratosis congenita, autosomal recessive 5; Pulmonary fibrosis and/or bone marrow failure, Telomere-related, 3. Last evaluated: 2025-11-25. Review status: criteria provided, single submitter. Criteria: Invitae Variant Classification Sherloc (09022015). Collection method: clinical testing. Allele origin: germline.
Comment: This sequence change replaces glutamic acid, which is acidic and polar, with aspartic acid, which is acidic and polar, at codon 886 of the RTEL1 protein (p.Glu886Asp). This variant is present in population databases (rs775722854, gnomAD 0.02%). This variant has not been reported in the literature in individuals affected with RTEL1-related conditions. ClinVar contains an entry for this variant (Variation ID: 2155737). An algorithm developed to predict the effect of missense changes on protein structure and function (PolyPhen-2) suggests that this variant is likely to be tolerated. In summary, the available evidence is currently insufficient to determine the role of this variant in disease. Therefore, it has been classified as a Variant of Uncertain Significance.

Ambry Genetics
Classification: Uncertain significance for Inborn genetic diseases. Last evaluated: 2024-05-20. Review status: criteria provided, single submitter. Criteria: Ambry Variant Classification Scheme 2023. Collection method: clinical testing. Allele origin: germline.